The following is an entry in ClinVar:

NM_173500.4(TTBK2):c.2525A>G (p.Glu842Gly)

Gene: TTBK2 (tau tubulin kinase 2; minus strand). Cytogenetic location: 15q15.2.
Variant type: single nucleotide variant.
Coding change: c.2525A>G on transcript NM_173500.4 (MANE Select); coding-DNA position 2525, A replaced by G.
Protein change: p.Glu842Gly; replaces glutamic acid 842 with glycine.
Molecular consequence: missense variant.
Genome position (GRCh38, 1-based): chr15:42,752,721, T>C on the plus strand (A>G on the coding strand, the complement: TTBK2 is on the minus strand). VCF-style: chr15-42752721-T-C. GRCh37 (hg19) VCF-style: chr15-43044919-T-C.
Other names: short protein forms E842G.
Identifiers: ClinVar variation 315983 (VCV000315983.10), dbSNP rs202004988, ClinGen allele CA7516721.

ClinVar aggregate classification (germline): Benign/Likely benign. Review status: criteria provided, multiple submitters, no conflicts (2 of 4 stars). 3 submissions from 3 submitters: Benign (1); Likely benign (1). 1 of the submissions does not count toward it. Last evaluated 2025-11-17.

Conditions:
TTBK2-related disorder. Also called: TTBK2-related condition.
Spinocerebellar ataxia type 11 (SCA11). Identifiers: Orphanet 98767, MedGen C1858351, MONDO:0011464, OMIM 604432.

Allele frequency attached by ClinVar (database versions not stated): gnomAD 0.00002 and 0.00019; TOPMed 0.00008; gnomAD exomes 0.00046 and 0.00097; 1000 Genomes Project 30x 0.00078; 1000 Genomes Project 0.00100; ExAC 0.00113.
gnomAD v4.1: 696 of 1,614,202 alleles (0.043%); highest among the groups gnomAD compares: South Asian, 0.71%; 11 homozygotes.

Submissions (3):

Labcorp Genetics (formerly Invitae), Labcorp
Classification: Benign. Last evaluated: 2025-11-17. Review status: criteria provided, single submitter. Criteria: Invitae Variant Classification Sherloc (09022015). Collection method: clinical testing. Allele origin: germline.

Illumina Laboratory Services, Illumina
Classification: Likely benign for Spinocerebellar ataxia type 11. Last evaluated: 2017-04-27. Review status: criteria provided, single submitter. Criteria: ICSL Variant Classification Criteria 13 December 2019. Collection method: clinical testing. Allele origin: germline.
Comment: This variant was observed as part of a predisposition screen in an ostensibly healthy population. A literature search was performed for the gene, cDNA change, and amino acid change (where applicable). Publications were found based on this search. The evidence from the literature, in combination with allele frequency data from public databases where available, was sufficient to determine this variant is unlikely to cause disease. Therefore, this variant is classified as likely benign.

PreventionGenetics, part of Exact Sciences
Classification: Likely benign for TTBK2-related condition. Last evaluated: 2024-04-04. Review status: no assertion criteria provided. Collection method: clinical testing. Allele origin: germline. Not counted in ClinVar's aggregate classification.
Comment: This variant is classified as likely benign based on ACMG/AMP sequence variant interpretation guidelines (Richards et al. 2015 PMID: 25741868, with internal and published modifications).

Literature cited by the submitters: PubMed 19533200 (cited by Illumina Laboratory Services, Illumina); PubMed 24808823 (cited by Illumina Laboratory Services, Illumina).